The following is an entry in ClinVar:

ClinVar aggregate classification (germline): Uncertain significance (1 of 4 stars; one submission).

Conditions:
Adams-Oliver syndrome 5 (AOS5). Identifiers: Orphanet 974, MedGen C4014970, MONDO:0014459, OMIM 616028.

gnomAD v4.1: 2 of 1,551,684 alleles (0.00013%); highest among the groups gnomAD compares: Non-Finnish European, 0.00017%; no homozygotes.

Submission:

Labcorp Genetics (formerly Invitae), Labcorp
Classification: Uncertain significance for Adams-Oliver syndrome 5. Last evaluated: 2024-11-30. Review status: criteria provided, single submitter. Criteria: Invitae Variant Classification Sherloc (09022015). Collection method: clinical testing. Allele origin: germline.
Comment: This sequence change replaces arginine, which is basic and polar, with cysteine, which is neutral and slightly polar, at codon 190 of the NOTCH1 protein (p.Arg190Cys). This variant is not present in population databases (gnomAD no frequency). This variant has not been reported in the literature in individuals affected with NOTCH1-related conditions. Invitae Evidence Modeling of protein sequence and biophysical properties (such as structural, functional, and spatial information, amino acid conservation, physicochemical variation, residue mobility, and thermodynamic stability) indicates that this missense variant is not expected to disrupt NOTCH1 protein function with a negative predictive value of 95%. In summary, the available evidence is currently insufficient to determine the role of this variant in disease. Therefore, it has been classified as a Variant of Uncertain Significance.

NM_017617.5(NOTCH1):c.568C>T (p.Arg190Cys)

Gene: NOTCH1 (notch receptor 1; minus strand). Cytogenetic location: 9q34.3.
Variant type: single nucleotide variant.
Coding change: c.568C>T on transcript NM_017617.5 (MANE Select); coding-DNA position 568, C replaced by T.
Protein change: p.Arg190Cys; replaces arginine 190 with cysteine.
Molecular consequence: missense variant.
Genome position (GRCh38, 1-based): chr9:136,523,024, G>A on the plus strand (C>T on the coding strand, the complement: NOTCH1 is on the minus strand). VCF-style: chr9-136523024-G-A. GRCh37 (hg19) VCF-style: chr9-139417476-G-A.
Other names: short protein forms R190C.
Identifiers: ClinVar variation 3671642 (VCV003671642.2).
Genomic context (GRCh38, chr9:136,523,024, plus strand): 5'-GGGTGGCGCGGCAGACGCAGCGGTAGGAGCCGACCTCGTTGTGGCAGGTGCCTCCGTGGC[G>A]GCAAAGCCCGGGCTTCTGGCCACACTCGTTGACATCCTGCCGGCAGGTGGGGCCATGGAA-3'
Protein context (NP_060087.3, residues 180-200): NECGQKPGLC[Arg190Cys]HGGTCHNEVG